The following is an entry in ClinVar:

NM_025152.3(NUBPL):c.256+14T>C

Gene: NUBPL (NUBP iron-sulfur cluster assembly factor, mitochondrial; plus strand). Cytogenetic location: 14q12.
Variant type: single nucleotide variant.
Coding change: c.256+14T>C on transcript NM_025152.3 (MANE Select); 14 bases into the intron after coding-DNA position 256, T replaced by C.
Molecular consequence: intron variant.
Genome position (GRCh38, 1-based): chr14:31,562,229, T>C. VCF-style: chr14-31562229-T-C. GRCh37 (hg19) VCF-style: chr14-32031435-T-C.
Identifiers: ClinVar variation 214873 (VCV000214873.13), dbSNP rs377077969, ClinGen allele CA325398.

ClinVar aggregate classification (germline): Conflicting classifications of pathogenicity. Review status: criteria provided, conflicting classifications (1 of 4 stars). 4 submissions from 4 submitters: Uncertain significance (1); Benign (2); Likely benign (1). Last evaluated 2025-10-08.

Conditions:
Mitochondrial complex I deficiency, nuclear type 1. Also called: NADH-COENZYME Q REDUCTASE DEFICIENCY; MITOCHONDRIAL NADH DEHYDROGENASE COMPONENT OF COMPLEX I, DEFICIENCY OF. Identifiers: MedGen C6022305, MONDO:0100224, OMIM 252010.

Allele frequency attached by ClinVar (database versions not stated): 1000 Genomes Project 30x 0.00047; 1000 Genomes Project 0.00060; TOPMed 0.00109; gnomAD 0.00111 and 0.00113; ESP Exome Variant Server 0.00127; ExAC 0.00145; gnomAD exomes 0.00147 and 0.00167.
gnomAD v4.1: 2,559 of 1,605,076 alleles (0.16%); highest among the groups gnomAD compares: Middle Eastern, 0.2%; 2 homozygotes.

Submissions (4):

Labcorp Genetics (formerly Invitae), Labcorp
Classification: Benign. Last evaluated: 2025-10-08. Review status: criteria provided, single submitter. Criteria: Invitae Variant Classification Sherloc (09022015). Collection method: clinical testing. Allele origin: germline.

Blueprint Genetics
Classification: Likely benign. Last evaluated: 2024-11-13. Review status: criteria provided, single submitter. Criteria: ACMG Guidelines, 2015. Collection method: clinical testing. Allele origin: germline.

Illumina Laboratory Services, Illumina
Classification: Uncertain significance for Mitochondrial complex I deficiency, nuclear type 1. Last evaluated: 2018-01-13. Review status: criteria provided, single submitter. Criteria: ICSL Variant Classification Criteria 13 December 2019. Collection method: clinical testing. Allele origin: germline.

GeneDx
Classification: Benign. Last evaluated: 2014-10-01. Review status: criteria provided, single submitter. Criteria: GeneDx Variant Classification (06012015). Collection method: clinical testing. Allele origin: germline. Affected: yes.
Comment: This variant is considered likely benign or benign based on one or more of the following criteria: it is a conservative change, it occurs at a poorly conserved position in the protein, it is predicted to be benign by multiple in silico algorithms, and/or has population frequency not consistent with disease.